The following is an entry in ClinVar:

NM_021072.4(HCN1):c.818G>A (p.Arg273Lys)

Gene: HCN1 (hyperpolarization activated cyclic nucleotide gated potassium channel 1; minus strand). Cytogenetic location: 5p12.
Variant type: single nucleotide variant.
Coding change: c.818G>A on transcript NM_021072.4 (MANE Select); coding-DNA position 818, G replaced by A.
Protein change: p.Arg273Lys; replaces arginine 273 with lysine.
Molecular consequence: missense variant.
Genome position (GRCh38, 1-based): chr5:45,645,216, C>T on the plus strand (G>A on the coding strand, the complement: HCN1 is on the minus strand). VCF-style: chr5-45645216-C-T. GRCh37 (hg19) VCF-style: chr5-45645318-C-T.
Other names: short protein forms R273K.
Identifiers: ClinVar variation 3643537 (VCV003643537.2).

ClinVar aggregate classification (germline): Uncertain significance (1 of 4 stars; one submission).

Conditions:
Early-infantile DEE. Also called: Early infantile epileptic encephalopathy; Ohtahara syndrome; Early infantile epileptic encephalopathy with suppression bursts. Identifiers: Orphanet 1934, MedGen C0393706, MONDO:0800491.

Submission:

Labcorp Genetics (formerly Invitae), Labcorp
Classification: Uncertain significance for Early-infantile DEE. Last evaluated: 2024-02-27. Review status: criteria provided, single submitter. Criteria: Invitae Variant Classification Sherloc (09022015). Collection method: clinical testing. Allele origin: germline.
Comment: This sequence change replaces arginine, which is basic and polar, with lysine, which is basic and polar, at codon 273 of the HCN1 protein (p.Arg273Lys). This variant is not present in population databases (gnomAD no frequency). This variant has not been reported in the literature in individuals affected with HCN1-related conditions. Advanced modeling of protein sequence and biophysical properties (such as structural, functional, and spatial information, amino acid conservation, physicochemical variation, residue mobility, and thermodynamic stability) performed at Invitae indicates that this missense variant is expected to disrupt HCN1 protein function with a positive predictive value of 80%. In summary, the available evidence is currently insufficient to determine the role of this variant in disease. Therefore, it has been classified as a Variant of Uncertain Significance.